The following is an entry in ClinVar:

ClinVar aggregate classification (germline): Pathogenic (1 of 4 stars; one submission).

Conditions:
Intellectual developmental disorder, autosomal dominant 1. Also called: MBD5 Haploinsufficiency; Intellectual disability, autosomal dominant 1. Identifiers: Orphanet 228402, MedGen C1969562, MONDO:0007974, OMIM 156200.

Submission:

Labcorp Genetics (formerly Invitae), Labcorp
Classification: Pathogenic for Intellectual developmental disorder, autosomal dominant 1. Last evaluated: 2024-06-15. Review status: criteria provided, single submitter. Criteria: Invitae Variant Classification Sherloc (09022015). Collection method: clinical testing. Allele origin: germline.
Comment: This sequence change creates a premature translational stop signal (p.Asn1346Metfs*19) in the MBD5 gene. It is expected to result in an absent or disrupted protein product. Loss-of-function variants in MBD5 are known to be pathogenic (PMID: 23422940, 23587880). This variant is not present in population databases (gnomAD no frequency). This variant has not been reported in the literature in individuals affected with MBD5-related conditions. For these reasons, this variant has been classified as Pathogenic.

Literature cited by the submitters: PubMed 23422940; PubMed 23587880.

NM_001378120.1(MBD5):c.4734del (p.Asn1579fs)

Gene: MBD5 (methyl-CpG binding domain protein 5; plus strand). Cytogenetic location: 2q23.1.
Variant type: Deletion.
Coding change: c.4734del on transcript NM_001378120.1 (MANE Select); coding-DNA position 4734, one base deleted (T; older notation c.4734delT).
Protein change: p.Asn1579fs; shifts the reading frame from asparagine 1579.
Molecular consequence: frameshift variant.
Genome position (GRCh38, 1-based): chr2:148,490,366, T deleted; the last of 2 consecutive T bases (chr2:148,490,365-148,490,366); deleting either gives the same sequence. VCF-style (leftmost placement, unchanged base first): chr2-148490364-GT-G. GRCh37 (hg19) VCF-style: chr2-149247933-GT-G.
Other names: c.4035del, p.Asn1346fs (NM_018328.5); short protein forms N1579fs, N1346fs.
Identifiers: ClinVar variation 3655979 (VCV003655979.2).